The following is an entry in ClinVar:

NM_020937.4(FANCM):c.2300G>A (p.Gly767Glu)

Gene: FANCM (FA complementation group M; plus strand). Cytogenetic location: 14q21.2.
Variant type: single nucleotide variant.
Coding change: c.2300G>A on transcript NM_020937.4 (MANE Select); coding-DNA position 2300, G replaced by A.
Protein change: p.Gly767Glu; replaces glycine 767 with glutamic acid.
Molecular consequence: missense variant.
Genome position (GRCh38, 1-based): chr14:45,173,194, G>A. VCF-style: chr14-45173194-G-A. GRCh37 (hg19) VCF-style: chr14-45642397-G-A.
Other names: c.2222G>A, p.Gly741Glu (NM_001308133.2); short protein forms G767E, G741E.
Identifiers: ClinVar variation 4254614 (VCV004254614.1).

ClinVar aggregate classification (germline): Uncertain significance (1 of 4 stars; one submission).

Conditions:
Inborn genetic diseases. Identifiers: MedGen C0950123, MeSH D030342.

gnomAD v4.1: 5 of 1,613,852 alleles (0.00031%); highest among the groups gnomAD compares: Middle Eastern, 0.033%; no homozygotes.

Submission:

Ambry Genetics
Classification: Uncertain significance for Inborn genetic diseases. Last evaluated: 2025-07-25. Review status: criteria provided, single submitter. Criteria: Ambry Variant Classification Scheme 2023. Collection method: clinical testing. Allele origin: germline.
Comment: The p.G767E variant (also known as c.2300G>A), located in coding exon 13 of the FANCM gene, results from a G to A substitution at nucleotide position 2300. The glycine at codon 767 is replaced by glutamic acid, an amino acid with similar properties. This amino acid position is conserved. In addition, this alteration is predicted to be tolerated by in silico analysis. Based on the available evidence, the clinical significance of this variant remains unclear.